The following is an entry in ClinVar:

ClinVar aggregate classification (germline): Uncertain significance. Review status: criteria provided, multiple submitters, no conflicts (2 of 4 stars). 2 submissions from 2 submitters: Uncertain significance (2). Last evaluated 2022-11-04.

Conditions:
Inborn genetic diseases. Identifiers: MedGen C0950123, MeSH D030342.

Allele frequency attached by ClinVar (database versions not stated): ExAC 0.00002.
gnomAD v4.1: 3 of 1,613,736 alleles (0.00019%); highest among the groups gnomAD compares: Admixed American, 0.005%; no homozygotes.

Submissions (2):

Ambry Genetics
Classification: Uncertain significance for Inborn genetic diseases. Last evaluated: 2022-11-04. Review status: criteria provided, single submitter. Criteria: Ambry Variant Classification Scheme 2023. Collection method: clinical testing. Allele origin: germline.

Labcorp Genetics (formerly Invitae), Labcorp
Classification: Uncertain significance. Last evaluated: 2022-07-14. Review status: criteria provided, single submitter. Criteria: Invitae Variant Classification Sherloc (09022015). Collection method: clinical testing. Allele origin: germline.
Comment: In summary, the available evidence is currently insufficient to determine the role of this variant in disease. Therefore, it has been classified as a Variant of Uncertain Significance. Algorithms developed to predict the effect of missense changes on protein structure and function are either unavailable or do not agree on the potential impact of this missense change (SIFT: "Deleterious"; PolyPhen-2: "Benign"; Align-GVGD: "Class C0"). This variant has not been reported in the literature in individuals affected with RARS-related conditions. This variant is present in population databases (rs761341589, gnomAD 0.009%). This sequence change replaces proline, which is neutral and non-polar, with leucine, which is neutral and non-polar, at codon 104 of the RARS protein (p.Pro104Leu).

NM_002887.4(RARS1):c.311C>T (p.Pro104Leu)

Gene: RARS1 (arginyl-tRNA synthetase 1; plus strand). Cytogenetic location: 5q34.
Variant type: single nucleotide variant.
Coding change: c.311C>T on transcript NM_002887.4 (MANE Select); coding-DNA position 311, C replaced by T.
Protein change: p.Pro104Leu; replaces proline 104 with leucine.
Molecular consequence: missense variant.
Genome position (GRCh38, 1-based): chr5:168,492,789, C>T. VCF-style: chr5-168492789-C-T. GRCh37 (hg19) VCF-style: chr5-167919794-C-T.
Other names: short protein forms P104L.
Identifiers: ClinVar variation 1928905 (VCV001928905.6), dbSNP rs761341589, ClinGen allele CA3549569.
Genomic context (GRCh38, chr5:168,492,789, plus strand): 5'-TTGGTCATGCAATTAAGGCTGCATATCCAGATTTGGAAAATCCTCCTCTGCTAGTGACAC[C>T]AAGTCAGCAGGCCAAGTTTGGGGACTATCAGTGTAATAGTGCTATGGGTATTTCTCAGGT-3'
Protein context (NP_002878.2, residues 94-114): DLENPPLLVT[Pro104Leu]SQQAKFGDYQ